The following is an entry in ClinVar:

ClinVar aggregate classification (germline): Conflicting classifications of pathogenicity. Review status: criteria provided, conflicting classifications (1 of 4 stars). 2 submissions from 2 submitters: Uncertain significance (1); Likely benign (1). Last evaluated 2026-09-08.

Conditions:
Hereditary cancer-predisposing syndrome. Also called: Neoplastic Syndromes, Hereditary; Hereditary Cancer Syndrome; Hereditary neoplastic syndrome; Tumor predisposition. Identifiers: Orphanet 140162, MedGen C0027672, MeSH D009386, MONDO:0015356.
Peutz-Jeghers syndrome (PJS). Also called: POLYPOSIS, HAMARTOMATOUS INTESTINAL; POLYPS-AND-SPOTS SYNDROME; Peutz-Jeghers polyposis; Periorificial lentiginosis syndrome. Identifiers: Orphanet 2869, MedGen C0031269, MeSH D010580, MONDO:0008280, OMIM 175200.

Allele frequency attached by ClinVar (database versions not stated): TOPMed 0.00001.

Submissions (2):

Ambry Genetics
Classification: Likely benign for Hereditary cancer-predisposing syndrome. Last evaluated: 2026-09-08. Review status: criteria provided, single submitter. Criteria: Ambry Variant Classification Scheme 2023. Collection method: clinical testing. Allele origin: germline.

Labcorp Genetics (formerly Invitae), Labcorp
Classification: Uncertain significance for Peutz-Jeghers syndrome. Last evaluated: 2024-05-22. Review status: criteria provided, single submitter. Criteria: Invitae Variant Classification Sherloc (09022015). Collection method: clinical testing. Allele origin: germline.
Comment: This sequence change replaces serine, which is neutral and polar, with threonine, which is neutral and polar, at codon 419 of the STK11 protein (p.Ser419Thr). This variant is not present in population databases (gnomAD no frequency). This variant has not been reported in the literature in individuals affected with STK11-related conditions. ClinVar contains an entry for this variant (Variation ID: 654407). Advanced modeling of protein sequence and biophysical properties (such as structural, functional, and spatial information, amino acid conservation, physicochemical variation, residue mobility, and thermodynamic stability) performed at Invitae indicates that this missense variant is not expected to disrupt STK11 protein function with a negative predictive value of 95%. In summary, the available evidence is currently insufficient to determine the role of this variant in disease. Therefore, it has been classified as a Variant of Uncertain Significance.

NM_000455.5(STK11):c.1255T>A (p.Ser419Thr)

Gene: STK11 (serine/threonine kinase 11; plus strand). Cytogenetic location: 19p13.3.
Variant type: single nucleotide variant.
Coding change: c.1255T>A on transcript NM_000455.5 (MANE Select); coding-DNA position 1255, T replaced by A.
Protein change: p.Ser419Thr; replaces serine 419 with threonine.
Molecular consequence: missense variant.
Genome position (GRCh38, 1-based): chr19:1,226,600, T>A. VCF-style: chr19-1226600-T-A. GRCh37 (hg19) VCF-style: chr19-1226599-T-A.
Other names: short protein forms S419T.
Identifiers: ClinVar variation 654407 (VCV000654407.10), dbSNP rs969257745, ClinGen allele CA304033718.
Genomic context (GRCh38, chr19:1,226,600, plus strand): 5'-CAGCTGAGCACCAAATCCAGGGCGGAGGGCCGGGCCCCCAACCCTGCCCGCAAGGCCTGC[T>A]CCGCCAGCAGCAAGATCCGCCGGCTGTCGGCCTGCAAGCAGCAGTGAGGCTGGCCGCCTG-3'
Protein context (NP_000446.1, residues 409-429): RAPNPARKAC[Ser419Thr]ASSKIRRLSA